The following is an entry in ClinVar:

ClinVar aggregate classification (germline): Uncertain significance (1 of 4 stars; one submission).

Conditions:
Inborn genetic diseases. Identifiers: MedGen C0950123, MeSH D030342.

Submission:

Ambry Genetics
Classification: Uncertain significance for Inborn genetic diseases. Last evaluated: 2025-03-07. Review status: criteria provided, single submitter. Criteria: Ambry Variant Classification Scheme 2023. Collection method: clinical testing. Allele origin: germline.
Comment: The p.I2032L variant (also known as c.6094A>C), located in coding exon 23 of the FANCM gene, results from an A to C substitution at nucleotide position 6094. The isoleucine at codon 2032 is replaced by leucine, an amino acid with highly similar properties. This amino acid position is conserved. In addition, this alteration is predicted to be tolerated by in silico analysis. Based on the available evidence, the clinical significance of this variant remains unclear.

NM_020937.4(FANCM):c.6094A>C (p.Ile2032Leu)

Gene: FANCM (FA complementation group M; plus strand). Cytogenetic location: 14q21.2.
Variant type: single nucleotide variant.
Coding change: c.6094A>C on transcript NM_020937.4 (MANE Select); coding-DNA position 6094, A replaced by C.
Protein change: p.Ile2032Leu; replaces isoleucine 2032 with leucine.
Molecular consequence: missense variant.
Genome position (GRCh38, 1-based): chr14:45,199,955, A>C. VCF-style: chr14-45199955-A-C. GRCh37 (hg19) VCF-style: chr14-45669158-A-C.
Other names: c.6016A>C, p.Ile2006Leu (NM_001308133.2); short protein forms I2032L, I2006L.
Identifiers: ClinVar variation 3848796 (VCV003848796.1).
Genomic context (GRCh38, chr14:45,199,955, plus strand): 5'-GCACAAGTAACTCATCAGAAGGCTGAGGAGATCTATAGATATATTCACTATGTATTTGAC[A>C]TACAAATGTTACCAAATGATCTTAACCAAGATAGACTGAAATCTGATATATAATCAAGCT-3'
Protein context (NP_065988.1, residues 2022-2042): IYRYIHYVFD[Ile2032Leu]QMLPNDLNQD